The following is an entry in ClinVar:

NM_003664.5(AP3B1):c.1035C>A (p.Ser345Arg)

Gene: AP3B1 (adaptor related protein complex 3 subunit beta 1; minus strand). Cytogenetic location: 5q14.1.
Variant type: single nucleotide variant.
Coding change: c.1035C>A on transcript NM_003664.5 (MANE Select); coding-DNA position 1035, C replaced by A.
Protein change: p.Ser345Arg; replaces serine 345 with arginine.
Molecular consequence: missense variant.
Genome position (GRCh38, 1-based): chr5:78,177,344, G>T on the plus strand (C>A on the coding strand, the complement: AP3B1 is on the minus strand). VCF-style: chr5-78177344-G-T. GRCh37 (hg19) VCF-style: chr5-77473168-G-T.
Other names: c.888C>A, p.Ser296Arg (NM_001271769.2); short protein forms S296R, S345R.
Identifiers: ClinVar variation 950389 (VCV000950389.9), dbSNP rs1744189442, ClinGen allele CA360189684.
Genomic context (GRCh38, chr5:78,177,344, plus strand): 5'-AACATTACTTTTGAAGGAATACAAAAGAAAAAATATATATAAAATCATGACCTACCTATT[G>T]CTACGAAGTAAACGCACTAGTGATTTAGAAATTATGCCAGCTTCAGATTTTGGTGATATG-3'
Protein context (NP_003655.3, residues 335-355): ISKSLVRLLR[Ser345Arg]NREVQYIVLQ

ClinVar aggregate classification (germline): Uncertain significance (1 of 4 stars; one submission).

Conditions:
Hermansky-Pudlak syndrome 2 (HPS2). Also called: Platelet defects and oculocutaneous albinism. Identifiers: Orphanet 183678, Orphanet 79430, MedGen C1842362, MONDO:0011997, OMIM 608233.

Submission:

Labcorp Genetics (formerly Invitae), Labcorp
Classification: Uncertain significance for Hermansky-Pudlak syndrome 2. Last evaluated: 2019-05-07. Review status: criteria provided, single submitter. Criteria: Invitae Variant Classification Sherloc (09022015). Collection method: clinical testing. Allele origin: germline.
Comment: This sequence change replaces serine with arginine at codon 345 of the AP3B1 protein (p.Ser345Arg). The serine residue is moderately conserved and there is a moderate physicochemical difference between serine and arginine. This variant is not present in population databases (ExAC no frequency). In summary, the available evidence is currently insufficient to determine the role of this variant in disease. Therefore, it has been classified as a Variant of Uncertain Significance. Algorithms developed to predict the effect of missense changes on protein structure and function (SIFT, PolyPhen-2, Align-GVGD) all suggest that this variant is likely to be tolerated, but these predictions have not been confirmed by published functional studies and their clinical significance is uncertain. This variant has not been reported in the literature in individuals with AP3B1-related conditions.